The following is an entry in ClinVar:

NM_004369.4(COL6A3):c.4064C>T (p.Pro1355Leu)

Gene: COL6A3 (collagen type VI alpha 3 chain; minus strand). Cytogenetic location: 2q37.3.
Variant type: single nucleotide variant.
Coding change: c.4064C>T on transcript NM_004369.4 (MANE Select); coding-DNA position 4064, C replaced by T.
Protein change: p.Pro1355Leu; replaces proline 1355 with leucine.
Molecular consequence: missense variant.
Genome position (GRCh38, 1-based): chr2:237,371,953, G>A on the plus strand (C>T on the coding strand, the complement: COL6A3 is on the minus strand). VCF-style: chr2-237371953-G-A. GRCh37 (hg19) VCF-style: chr2-238280596-G-A.
Other names: c.2843C>T, p.Pro948Leu (NM_057164.5); c.3446C>T, p.Pro1149Leu (NM_057165.5, NM_057167.4); c.2243C>T, p.Pro748Leu (NM_057166.5); short protein forms P748L, P1149L, P1355L, P948L.
Identifiers: ClinVar variation 956755 (VCV000956755.9), dbSNP rs140863092, ClinGen allele CA2189003.

ClinVar aggregate classification (germline): Conflicting classifications of pathogenicity. Review status: criteria provided, conflicting classifications (1 of 4 stars). 3 submissions from 3 submitters: Uncertain significance (2); Likely benign (1). Last evaluated 2025-03-18.

Conditions:
COL6A3-related disorder. Also called: COL6A3-related condition; COL6A3-related disorders.
Bethlem myopathy 1A. Also called: Bethlem myopathy 1; MYOPATHY, BENIGN CONGENITAL, WITH CONTRACTURES; Bethlem Muscular Dystrophy. Identifiers: Orphanet 610, MedGen CN029274, MONDO:0024530, OMIM 158810.

Allele frequency attached by ClinVar (database versions not stated): ESP Exome Variant Server 0.00008; ExAC 0.00002; gnomAD exomes 0.00002 and 0.00004; TOPMed 0.00003; gnomAD 0.00007.
gnomAD v4.1: 75 of 1,613,888 alleles (0.0046%); highest among the groups gnomAD compares: Non-Finnish European, 0.0058%; no homozygotes.

Submissions (3):

PreventionGenetics, part of Exact Sciences
Classification: Uncertain significance for COL6A3-related condition. Last evaluated: 2025-03-18. Review status: criteria provided, single submitter. Criteria: ACMG Guidelines, 2015. Collection method: clinical testing. Allele origin: germline.
Comment: The COL6A3 c.4064C>T variant is predicted to result in the amino acid substitution p.Pro1355Leu. To our knowledge, this variant has not been reported in the literature. This variant is reported in 0.0047% of alleles in individuals of European (Non-Finnish) descent in gnomAD. At this time, the clinical significance of this variant is uncertain due to the absence of conclusive functional and genetic evidence.

Labcorp Genetics (formerly Invitae), Labcorp
Classification: Likely benign for Bethlem myopathy 1A. Last evaluated: 2024-09-23. Review status: criteria provided, single submitter. Criteria: Invitae Variant Classification Sherloc (09022015). Collection method: clinical testing. Allele origin: germline.

Revvity Omics, Revvity
Classification: Uncertain significance. Last evaluated: 2021-09-02. Review status: criteria provided, single submitter. Criteria: ACMG Guidelines, 2015. Collection method: clinical testing. Allele origin: germline.